The following is an entry in ClinVar:

NM_000117.3(EMD):c.596C>T (p.Ser199Leu)

Gene: EMD (emerin; plus strand). Cytogenetic location: Xq28.
Variant type: single nucleotide variant.
Coding change: c.596C>T on transcript NM_000117.3 (MANE Select); coding-DNA position 596, C replaced by T.
Protein change: p.Ser199Leu; replaces serine 199 with leucine.
Molecular consequence: missense variant.
Genome position (GRCh38, 1-based): chrX:154,381,028, C>T. VCF-style: chrX-154381028-C-T. GRCh37 (hg19) VCF-style: chrX-153609388-C-T.
Other names: short protein forms S199L.
Identifiers: ClinVar variation 3674791 (VCV003674791.2).
Genomic context (GRCh38, chrX:154,381,028, plus strand): 5'-TGTCCTATTATCCTACTTCCTCCTCCACCTCTTTTATGTCCTCCTCATCATCTTCCTCTT[C>T]ATGGCTCACCCGCCGTGCCATCCGGCCTGAAAACCGTGCTCCTGGGGCTGGGCTGGGCCA-3'
Protein context (NP_000108.1, residues 189-209): SFMSSSSSSS[Ser199Leu]WLTRRAIRPE

ClinVar aggregate classification (germline): Uncertain significance (1 of 4 stars; one submission).

Conditions:
X-linked Emery-Dreifuss muscular dystrophy. Also called: Muscular dystrophy, tardive Emery-Dreifuss type, with contractures. Identifiers: Orphanet 261, Orphanet 98863, MedGen C0751337, MONDO:0010680.

Submission:

Labcorp Genetics (formerly Invitae), Labcorp
Classification: Uncertain significance for X-linked Emery-Dreifuss muscular dystrophy. Last evaluated: 2024-05-14. Review status: criteria provided, single submitter. Criteria: Invitae Variant Classification Sherloc (09022015). Collection method: clinical testing. Allele origin: germline.
Comment: This sequence change replaces serine, which is neutral and polar, with leucine, which is neutral and non-polar, at codon 199 of the EMD protein (p.Ser199Leu). This variant is not present in population databases (gnomAD no frequency). This variant has not been reported in the literature in individuals affected with EMD-related conditions. Algorithms developed to predict the effect of missense changes on protein structure and function output the following: SIFT: "Not Available"; PolyPhen-2: "Benign"; Align-GVGD: "Not Available". The leucine amino acid residue is found in multiple mammalian species, which suggests that this missense change does not adversely affect protein function. In summary, the available evidence is currently insufficient to determine the role of this variant in disease. Therefore, it has been classified as a Variant of Uncertain Significance.